The following is an entry in ClinVar:

NM_033641.4(COL4A6):c.3620A>T (p.Glu1207Val)

Gene: COL4A6 (collagen type IV alpha 6 chain; minus strand). Cytogenetic location: Xq22.3.
Variant type: single nucleotide variant.
Coding change: c.3620A>T on transcript NM_033641.4 (MANE Select); coding-DNA position 3620, A replaced by T.
Protein change: p.Glu1207Val; replaces glutamic acid 1207 with valine.
Molecular consequence: missense variant.
Genome position (GRCh38, 1-based): chrX:108,169,566, T>A on the plus strand (A>T on the coding strand, the complement: COL4A6 is on the minus strand). VCF-style: chrX-108169566-T-A. GRCh37 (hg19) VCF-style: chrX-107412796-T-A.
Other names: c.3671A>T, p.Glu1224Val (NM_001287758.2); c.3548A>T, p.Glu1183Val (NM_001287759.2, NM_001287760.2); c.3623A>T, p.Glu1208Val (NM_001440759.1, NM_001847.4); c.3620A>T, p.Glu1207Val (NM_001440760.1); short protein forms E1183V, E1207V, E1208V, E1224V.
Identifiers: ClinVar variation 4797450 (VCV004797450.1).

ClinVar aggregate classification (germline): Uncertain significance (1 of 4 stars; one submission).

gnomAD v4.1: 16 of 1,211,285 alleles (0.0013%); highest among the groups gnomAD compares: Admixed American, 0.035%; no homozygotes.

Submission:

Labcorp Genetics (formerly Invitae), Labcorp
Classification: Uncertain significance. Last evaluated: 2025-09-04. Review status: criteria provided, single submitter. Criteria: Invitae Variant Classification Sherloc (09022015). Collection method: clinical testing. Allele origin: germline.
Comment: This sequence change replaces glutamic acid, which is acidic and polar, with valine, which is neutral and non-polar, at codon 1208 of the COL4A6 protein (p.Glu1208Val). This variant is present in population databases (rs765548495, gnomAD 0.06%), and has an allele count higher than expected for a pathogenic variant. This variant has not been reported in the literature in individuals affected with COL4A6-related conditions. Invitae Evidence Modeling of protein sequence and biophysical properties (such as structural, functional, and spatial information, amino acid conservation, physicochemical variation, residue mobility, and thermodynamic stability) indicates that this missense variant is not expected to disrupt COL4A6 protein function with a negative predictive value of 80%. In summary, the available evidence is currently insufficient to determine the role of this variant in disease. Therefore, it has been classified as a Variant of Uncertain Significance.